The following is an entry in ClinVar:

ClinVar aggregate classification (germline): Likely benign. Review status: criteria provided, multiple submitters, no conflicts (2 of 4 stars). 5 submissions from 5 submitters: Likely benign (4). 1 of the submissions does not count toward it. Last evaluated 2026-02-03.

Conditions:
Inborn genetic diseases. Identifiers: MedGen C0950123, MeSH D030342.
Pitt-Hopkins-like syndrome 2 (PTHSL2). Identifiers: Orphanet 221150, Orphanet 600663, MedGen C3280479, MONDO:0013690, OMIM 614325.
Chromosome 2p16.3 deletion syndrome. Identifiers: MedGen C3808494, MONDO:0013696, OMIM 614332.
NRXN1-related disorder.

Allele frequency attached by ClinVar (database versions not stated): ESP Exome Variant Server 0.00008; gnomAD 0.00016; gnomAD exomes 0.00016 and 0.00024; ExAC 0.00021; TOPMed 0.00021.
gnomAD v4.1: 373 of 1,612,456 alleles (0.023%); highest among the groups gnomAD compares: Non-Finnish European, 0.029%; no homozygotes.

Submissions (5):

Labcorp Genetics (formerly Invitae), Labcorp
Classification: Likely benign for Pitt-Hopkins-like syndrome 2. Last evaluated: 2026-02-03. Review status: criteria provided, single submitter. Criteria: Invitae Variant Classification Sherloc (09022015). Collection method: clinical testing. Allele origin: germline.

Fulgent Genetics
Classification: Likely benign for Pitt-Hopkins-like syndrome 2; Chromosome 2p16.3 deletion syndrome. Last evaluated: 2022-05-10. Review status: criteria provided, single submitter. Criteria: ACMG Guidelines, 2015. Collection method: clinical testing. Allele origin: unknown.

Ambry Genetics
Classification: Likely benign for Inborn genetic diseases. Last evaluated: 2019-10-23. Review status: criteria provided, single submitter. Criteria: Ambry Variant Classification Scheme 2023. Collection method: clinical testing. Allele origin: germline.

GeneDx
Classification: Likely benign. Last evaluated: 2019-10-17. Review status: criteria provided, single submitter. Criteria: GeneDx Variant Classification Process June 2021. Collection method: clinical testing. Allele origin: germline. Affected: yes.

PreventionGenetics, part of Exact Sciences
Classification: Likely benign for NRXN1-related condition. Last evaluated: 2023-06-22. Review status: no assertion criteria provided. Collection method: clinical testing. Allele origin: germline. Not counted in ClinVar's aggregate classification.
Comment: This variant is classified as likely benign based on ACMG/AMP sequence variant interpretation guidelines (Richards et al. 2015 PMID: 25741868, with internal and published modifications).

NM_001330078.2(NRXN1):c.4176T>C (p.Asp1392=)

Gene: NRXN1 (neurexin 1; minus strand). Cytogenetic location: 2p16.3.
Variant type: single nucleotide variant.
Coding change: c.4176T>C on transcript NM_001330078.2 (MANE Select); coding-DNA position 4176, T replaced by C.
Protein change: p.Asp1392=; no amino-acid change (aspartic acid 1392 retained).
Molecular consequence: synonymous variant.
Genome position (GRCh38, 1-based): chr2:49,943,744, A>G on the plus strand (T>C on the coding strand, the complement: NRXN1 is on the minus strand). VCF-style: chr2-49943744-A-G. GRCh37 (hg19) VCF-style: chr2-50170882-A-G.
Other names: c.4296T>C, p.Asp1432= (NM_001135659.3); c.81T>C, p.Asp27= (NM_001320156.4, NM_001320157.4); c.4152T>C, p.Asp1384= (NM_001330077.2, NM_001330082.2); c.4020T>C, p.Asp1340= (NM_001330083.2); c.4110T>C, p.Asp1370= (NM_001330084.2); c.4149T>C, p.Asp1383= (NM_001330085.2); c.4176T>C, p.Asp1392= (NM_001330086.2); c.3975T>C, p.Asp1325= (NM_001330087.2, NM_001330096.2); and 8 more.
Identifiers: ClinVar variation 378301 (VCV000378301.20), dbSNP rs201135028, ClinGen allele CA1654258.